The following is an entry in ClinVar:

ClinVar aggregate classification (germline): Benign. Review status: criteria provided, multiple submitters, no conflicts (2 of 4 stars). 5 submissions from 5 submitters: Benign (5). Last evaluated 2026-01-28.

Allele frequency attached by ClinVar (database versions not stated): ESP Exome Variant Server 0.00527; TOPMed 0.00843; gnomAD 0.00913 and 0.00940; ExAC 0.01149; 1000 Genomes Project 0.01158; 1000 Genomes Project 30x 0.01218; gnomAD exomes 0.01309.
gnomAD v4.1: 14,543 of 1,613,324 alleles (0.9%); highest among the groups gnomAD compares: Admixed American, 4.1%; 130 homozygotes.

Submissions (5):

Labcorp Genetics (formerly Invitae), Labcorp
Classification: Benign. Last evaluated: 2026-01-28. Review status: criteria provided, single submitter. Criteria: Invitae Variant Classification Sherloc (09022015). Collection method: clinical testing. Allele origin: germline.

Mayo Clinic Laboratories, Mayo Clinic
Classification: Benign. Last evaluated: 2022-12-05. Review status: criteria provided, single submitter. Criteria: ACMG Guidelines, 2015. Collection method: clinical testing. Allele origin: germline. Observed: 2 variant alleles.
Comment: BA1, BS2

Athena Diagnostics
Classification: Benign. Last evaluated: 2018-08-09. Review status: criteria provided, single submitter. Criteria: Athena Diagnostics Criteria. Collection method: clinical testing. Allele origin: germline.

GeneDx
Classification: Benign. Last evaluated: 2017-10-25. Review status: criteria provided, single submitter. Criteria: GeneDx Variant Classification (06012015). Collection method: clinical testing. Allele origin: germline. Affected: yes.
Comment: This variant is considered likely benign or benign based on one or more of the following criteria: it is a conservative change, it occurs at a poorly conserved position in the protein, it is predicted to be benign by multiple in silico algorithms, and/or has population frequency not consistent with disease.

Laboratory for Molecular Medicine, Mass General Brigham Personalized Medicine
Classification: Benign. Last evaluated: 2017-08-23. Review status: criteria provided, single submitter. Criteria: LMM Criteria. Collection method: clinical testing. Allele origin: germline. Observed: 2 variant alleles.
Comment: p.Val320Met in exon 12 of FAM65B: This variant is not expected to have clinical significance because it has been identified in 5.24% (567/10816) of Latino chrom osomes by the Exome Aggregation Consortium (ExAC ; dbSNP rs35331811).

NM_001286445.3(RIPOR2):c.1045G>A (p.Val349Met)

Gene: RIPOR2 (RHO family interacting cell polarization regulator 2; minus strand). Cytogenetic location: 6p22.3.
Variant type: single nucleotide variant.
Coding change: c.1045G>A on transcript NM_001286445.3 (MANE Select); coding-DNA position 1045, G replaced by A.
Protein change: p.Val349Met; replaces valine 349 with methionine.
Molecular consequence: missense variant.
Genome position (GRCh38, 1-based): chr6:24,848,144, C>T on the plus strand (G>A on the coding strand, the complement: RIPOR2 is on the minus strand). VCF-style: chr6-24848144-C-T. GRCh37 (hg19) VCF-style: chr6-24848372-C-T.
Other names: p.Val320Met; c.1060G>A, p.Val354Met (NM_001286446.3); c.958G>A, p.Val320Met (NM_001286447.2, NM_001346031.2, NM_001346032.2 and 2 more transcripts); short protein forms V320M, V349M, V354M.
Identifiers: ClinVar variation 508603 (VCV000508603.15), dbSNP rs35331811, ClinGen allele CA3659344.
Genomic context (GRCh38, chr6:24,848,144, plus strand): 5'-TTCTCCTCTGAAGGGCTGCTGCCTTGTTCCCAGCGCCTGAGGATGCGGTCATGTCCTCCA[C>T]GTCAAATGGACTGCAAAACAACAGGTCCCCAGGTATGCACATTTGGCAAAATCACCTATC-3'
Protein context (NP_001273374.1, residues 339-359): NLEITWYPFD[Val349Met]EDMTASSGAG